The following is an entry in ClinVar:

NM_000293.3(PHKB):c.62G>C (p.Arg21Pro)

Genes: PHKB (phosphorylase kinase regulatory subunit beta; plus strand), LOC130058947 (ATAC-STARR-seq lymphoblastoid silent region 7451; plus strand). Cytogenetic location: 16q12.1.
Variant type: single nucleotide variant.
Coding change: c.62G>C on transcript NM_000293.3 (MANE Select); coding-DNA position 62, G replaced by C.
Protein change: p.Arg21Pro; replaces arginine 21 with proline.
Molecular consequence: missense variant. On other transcripts: 5 prime UTR variant (1).
Genome position (GRCh38, 1-based): chr16:47,461,412, G>C. VCF-style: chr16-47461412-G-C. GRCh37 (hg19) VCF-style: chr16-47495323-G-C.
Other names: c.62G>C (NM_000293.2); c.-72G>C (NM_001031835.3); c.62G>C, p.Arg21Pro (NM_001363837.1); short protein forms R21P.
Identifiers: ClinVar variation 1949886 (VCV001949886.4), dbSNP rs765238295, ClinGen allele CA8040318.

ClinVar aggregate classification (germline): Uncertain significance. Review status: criteria provided, multiple submitters, no conflicts (2 of 4 stars). 2 submissions from 2 submitters: Uncertain significance (2). Last evaluated 2023-09-13.

Conditions:
Inborn genetic diseases. Identifiers: MedGen C0950123, MeSH D030342.
Glycogen storage disease IXb (GSD9B). Also called: PHOSPHORYLASE KINASE DEFICIENCY OF LIVER AND MUSCLE, AUTOSOMAL RECESSIVE; GLYCOGENOSIS OF LIVER AND MUSCLE, AUTOSOMAL RECESSIVE; GSD IXb. Identifiers: Orphanet 79240, MedGen C0543514, MONDO:0009868, OMIM 261750.

Allele frequency attached by ClinVar (database versions not stated): ExAC 0.00002; gnomAD 0.00002; TOPMed 0.00002.
gnomAD v4.1: 9 of 1,613,166 alleles (0.00056%); highest among the groups gnomAD compares: East Asian, 0.013%; no homozygotes.

Submissions (2):

Ambry Genetics
Classification: Uncertain significance for Inborn genetic diseases. Last evaluated: 2023-09-13. Review status: criteria provided, single submitter. Criteria: Ambry Variant Classification Scheme 2023. Collection method: clinical testing. Allele origin: germline.

Labcorp Genetics (formerly Invitae), Labcorp
Classification: Uncertain significance for Glycogen storage disease IXb. Last evaluated: 2022-03-12. Review status: criteria provided, single submitter. Criteria: Invitae Variant Classification Sherloc (09022015). Collection method: clinical testing. Allele origin: germline.
Comment: This sequence change replaces arginine, which is basic and polar, with proline, which is neutral and non-polar, at codon 21 of the PHKB protein (p.Arg21Pro). This variant is present in population databases (rs765238295, gnomAD 0.03%). This variant has not been reported in the literature in individuals affected with PHKB-related conditions. Algorithms developed to predict the effect of missense changes on protein structure and function (SIFT, PolyPhen-2, Align-GVGD) all suggest that this variant is likely to be tolerated. In summary, the available evidence is currently insufficient to determine the role of this variant in disease. Therefore, it has been classified as a Variant of Uncertain Significance.